The following is an entry in ClinVar:

ClinVar aggregate classification (germline): Uncertain significance. Review status: criteria provided, multiple submitters, no conflicts (2 of 4 stars). 3 submissions from 3 submitters: Uncertain significance (3). Last evaluated 2025-09-08.

Conditions:
Hereditary cancer-predisposing syndrome. Also called: Tumor predisposition; Neoplastic Syndromes, Hereditary; Hereditary neoplastic syndrome; Hereditary Cancer Syndrome. Identifiers: Orphanet 140162, MedGen C0027672, MeSH D009386, MONDO:0015356.
Hereditary breast ovarian cancer syndrome. Also called: Hereditary breast and ovarian cancer; Breast and ovarian cancer; Hereditary breast and/or ovarian cancer syndrome; BRCA1- and BRCA2-Associated Hereditary Breast and Ovarian Cancer; Hereditary breast and ovarian cancer syndrome; Hereditary breast and ovarian cancer syndrome (HBOC). Identifiers: Orphanet 145, MedGen C0677776, MeSH D061325, MONDO:0003582. Disease mechanism: loss of function.

Submissions (3):

Ambry Genetics
Classification: Uncertain significance for Hereditary cancer-predisposing syndrome. Last evaluated: 2025-09-08. Review status: criteria provided, single submitter. Criteria: Ambry Variant Classification Scheme 2023. Collection method: clinical testing. Allele origin: germline.
Comment: The p.I124M variant (also known as c.372C>G), located in coding exon 5 of the BRCA1 gene, results from a C to G substitution at nucleotide position 372. The isoleucine at codon 124 is replaced by methionine, an amino acid with highly similar properties. This amino acid position is well conserved in available vertebrate species. In addition, this alteration is predicted to be deleterious by in silico analysis. Based on the available evidence, the clinical significance of this variant remains unclear.

Labcorp Genetics (formerly Invitae), Labcorp
Classification: Uncertain significance for Hereditary breast ovarian cancer syndrome. Last evaluated: 2024-08-31. Review status: criteria provided, single submitter. Criteria: Invitae Variant Classification Sherloc (09022015). Collection method: clinical testing. Allele origin: germline.
Comment: This sequence change replaces isoleucine, which is neutral and non-polar, with methionine, which is neutral and non-polar, at codon 124 of the BRCA1 protein (p.Ile124Met). This variant is not present in population databases (gnomAD no frequency). This missense change has been observed in individual(s) with breast cancer (PMID: 35264596). ClinVar contains an entry for this variant (Variation ID: 584957). Invitae Evidence Modeling of protein sequence and biophysical properties (such as structural, functional, and spatial information, amino acid conservation, physicochemical variation, residue mobility, and thermodynamic stability) indicates that this missense variant is not expected to disrupt BRCA1 protein function with a negative predictive value of 95%. In summary, the available evidence is currently insufficient to determine the role of this variant in disease. Therefore, it has been classified as a Variant of Uncertain Significance.

Mendelics
Classification: Uncertain significance for Hereditary breast and ovarian cancer syndrome. Last evaluated: 2018-07-02. Review status: criteria provided, single submitter. Criteria: Mendelics Assertion Criteria 2017. Collection method: clinical testing. Allele origin: unknown.

Literature cited by the submitters: PubMed 35264596 (cited by Labcorp Genetics (formerly Invitae), Labcorp).

NM_007294.4(BRCA1):c.372C>G (p.Ile124Met)

Gene: BRCA1 (BRCA1 DNA repair associated; minus strand). Cytogenetic location: 17q21.31.
Variant type: single nucleotide variant.
Coding change: c.372C>G on transcript NM_007294.4 (MANE Select); coding-DNA position 372, C replaced by G.
Protein change: p.Ile124Met; replaces isoleucine 124 with methionine.
Molecular consequence: missense variant. On other transcripts: non-coding transcript variant (1).
Genome position (GRCh38, 1-based): chr17:43,104,191, G>C on the plus strand (C>G on the coding strand, the complement: BRCA1 is on the minus strand). VCF-style: chr17-43104191-G-C. GRCh37 (hg19) VCF-style: chr17-41256208-G-C.
Other names: c.294C>G, p.Ile98Met (NM_001408412.1, NM_001408413.1, NM_001408414.1 and 21 more transcripts); c.372C>G, p.Ile124Met (NM_001408418.1, NM_001408428.1, NM_001408429.1 and 165 more transcripts); c.162C>G, p.Ile54Met (NM_001407571.1, NM_001407853.1, NM_001407879.1 and 58 more transcripts); c.363C>G, p.Ile121Met (NM_001407646.1, NM_001407647.1, NM_001408408.1); c.231C>G, p.Ile77Met (NM_001407692.1, NM_001407694.1, NM_001407695.1 and 99 more transcripts); c.-10C>G (NM_001407959.1, NM_001407960.1, NM_001407962.1 and 4 more transcripts); c.240C>G, p.Ile80Met (NM_001408451.1); short protein forms I124M, I77M, I121M, I54M, I80M, I98M.
Identifiers: ClinVar variation 584957 (VCV000584957.6), dbSNP rs273900715, ClinGen allele CA10601400.